The following is an entry in ClinVar:

NM_001097577.3(ANG):c.365C>T (p.Ala122Val)

Genes: EGILA (EGFR interacting lncRNA; minus strand), RNASE4 (ribonuclease A family member 4; plus strand), ANG (angiogenin; plus strand). Cytogenetic location: 14q11.2.
Variant type: single nucleotide variant.
Coding change: c.365C>T on transcript NM_001097577.3 (MANE Select); coding-DNA position 365, C replaced by T.
Protein change: p.Ala122Val; replaces alanine 122 with valine.
Molecular consequence: missense variant. On other transcripts: intron variant (4).
Genome position (GRCh38, 1-based): chr14:20,693,929, C>T. VCF-style: chr14-20693929-C-T. GRCh37 (hg19) VCF-style: chr14-21162088-C-T.
Other names: c.365C>T, p.Ala122Val (NM_001145.4, NM_001385273.1, NM_001385274.1 and 2 more transcripts); c.-18+279C>T (NM_001282192.2); c.-17-5426C>T (NM_002937.5, NM_001282193.2); c.-18+5055C>T (NM_194431.3); short protein forms A122V.
Identifiers: ClinVar variation 312776 (VCV000312776.7), dbSNP rs374766597, ClinGen allele CA7083182.
Genomic context (GRCh38, chr14:20,693,929, plus strand): 5'-TCACCACTTGCAAGCTACATGGAGGTTCCCCCTGGCCTCCATGCCAGTACCGAGCCACAG[C>T]GGGGTTCAGAAACGTTGTTGTTGCTTGTGAAAATGGCTTACCTGTCCACTTGGATCAGTC-3'
Protein context (NP_001091046.1, residues 112-132): PWPPCQYRAT[Ala122Val]GFRNVVVACE

ClinVar aggregate classification (germline): Conflicting classifications of pathogenicity. Review status: criteria provided, conflicting classifications (1 of 4 stars). 2 submissions from 2 submitters: Uncertain significance (1); Likely benign (1). Last evaluated 2024-03-28.

Conditions:
Amyotrophic lateral sclerosis type 9 (ALS9). Identifiers: Orphanet 803, MedGen C2678468, MONDO:0012753, OMIM 611895.

Allele frequency attached by ClinVar (database versions not stated): ESP Exome Variant Server 0.00008; gnomAD 0.00001 and 0.00003; TOPMed 0.00001; gnomAD exomes 0.00002; ExAC 0.00004.
gnomAD v4.1: 17 of 1,614,094 alleles (0.0011%); highest among the groups gnomAD compares: Admixed American, 0.0067%; no homozygotes.

Submissions (2):

Labcorp Genetics (formerly Invitae), Labcorp
Classification: Uncertain significance. Last evaluated: 2024-03-28. Review status: criteria provided, single submitter. Criteria: Invitae Variant Classification Sherloc (09022015). Collection method: clinical testing. Allele origin: germline.
Comment: This sequence change replaces alanine, which is neutral and non-polar, with valine, which is neutral and non-polar, at codon 122 of the ANG protein (p.Ala122Val). This variant is present in population databases (rs374766597, gnomAD 0.01%). This variant has not been reported in the literature in individuals affected with ANG-related conditions. ClinVar contains an entry for this variant (Variation ID: 312776). An algorithm developed to predict the effect of missense changes on protein structure and function (PolyPhen-2) suggests that this variant is likely to be tolerated. In summary, the available evidence is currently insufficient to determine the role of this variant in disease. Therefore, it has been classified as a Variant of Uncertain Significance.

Illumina Laboratory Services, Illumina
Classification: Likely benign for Amyotrophic lateral sclerosis type 9. Last evaluated: 2018-01-13. Review status: criteria provided, single submitter. Criteria: ICSL Variant Classification Criteria 13 December 2019. Collection method: clinical testing. Allele origin: germline.
Comment: This variant was observed in the ICSL laboratory as part of a predisposition screen in an ostensibly healthy population. It had not been previously curated by ICSL or reported in the Human Gene Mutation Database (HGMD: prior to June 1st, 2018), and was therefore a candidate for classification through an automated scoring system. Utilizing variant allele frequency, disease prevalence and penetrance estimates, and inheritance mode, an automated score was calculated to assess if this variant is too frequent to cause the disease. Based on the score and internal cut-off values, a variant classified as likely benign is not then subjected to further curation. The score for this variant resulted in a classification of likely benign for this disease.